The following is an entry in ClinVar:

NM_004385.5(VCAN):c.3032G>A (p.Arg1011His)

Gene: VCAN (versican; plus strand). Cytogenetic location: 5q14.3.
Variant type: single nucleotide variant.
Coding change: c.3032G>A on transcript NM_004385.5 (MANE Select); coding-DNA position 3032, G replaced by A.
Protein change: p.Arg1011His; replaces arginine 1011 with histidine.
Molecular consequence: missense variant. On other transcripts: intron variant (2).
Genome position (GRCh38, 1-based): chr5:83,521,338, G>A. VCF-style: chr5-83521338-G-A. GRCh37 (hg19) VCF-style: chr5-82817157-G-A.
Other names: c.3032G>A, p.Arg1011His (NM_001164098.2); c.1042+8942G>A (NM_001164097.2, NM_001126336.3); c.3032G>A (NM_004385.4); short protein forms R1011H.
Identifiers: ClinVar variation 1923069 (VCV001923069.6), dbSNP rs765958123, ClinGen allele CA3332941.

ClinVar aggregate classification (germline): Conflicting classifications of pathogenicity. Review status: criteria provided, conflicting classifications (1 of 4 stars). 2 submissions from 2 submitters: Uncertain significance (1); Likely benign (1). Last evaluated 2025-10-18.

Conditions:
Inborn genetic diseases. Identifiers: MedGen C0950123, MeSH D030342.

Allele frequency attached by ClinVar (database versions not stated): gnomAD exomes 0.00001; ExAC 0.00002.
gnomAD v4.1: 43 of 1,613,926 alleles (0.0027%); highest among the groups gnomAD compares: East Asian, 0.0045%; no homozygotes.

Submissions (2):

Labcorp Genetics (formerly Invitae), Labcorp
Classification: Uncertain significance. Last evaluated: 2025-10-18. Review status: criteria provided, single submitter. Criteria: Invitae Variant Classification Sherloc (09022015). Collection method: clinical testing. Allele origin: germline.
Comment: This sequence change replaces arginine, which is basic and polar, with histidine, which is basic and polar, at codon 1011 of the VCAN protein (p.Arg1011His). This variant is present in population databases (rs765958123, gnomAD 0.006%). This variant has not been reported in the literature in individuals affected with VCAN-related conditions. ClinVar contains an entry for this variant (Variation ID: 1923069). An algorithm developed to predict the effect of missense changes on protein structure and function outputs the following: PolyPhen-2: "Benign". The histidine amino acid residue is found in multiple mammalian species, which suggests that this missense change does not adversely affect protein function. In summary, the available evidence is currently insufficient to determine the role of this variant in disease. Therefore, it has been classified as a Variant of Uncertain Significance.

Ambry Genetics
Classification: Likely benign for Inborn genetic diseases. Last evaluated: 2024-08-01. Review status: criteria provided, single submitter. Criteria: Ambry Variant Classification Scheme 2023. Collection method: clinical testing. Allele origin: germline.